The following is an entry in ClinVar:

NM_004628.5(XPC):c.2351G>A (p.Arg784His)

Gene: XPC (XPC complex subunit, DNA damage recognition and repair factor; minus strand). Cytogenetic location: 3p25.1.
Variant type: single nucleotide variant.
Coding change: c.2351G>A on transcript NM_004628.5 (MANE Select); coding-DNA position 2351, G replaced by A.
Protein change: p.Arg784His; replaces arginine 784 with histidine.
Molecular consequence: missense variant. On other transcripts: non-coding transcript variant (2).
Genome position (GRCh38, 1-based): chr3:14,148,631, C>T on the plus strand (G>A on the coding strand, the complement: XPC is on the minus strand). VCF-style: chr3-14148631-C-T. GRCh37 (hg19) VCF-style: chr3-14190131-C-T.
Other names: c.1772G>A, p.Arg591His (NM_001354726.2); c.2345G>A, p.Arg782His (NM_001354727.2); c.2333G>A, p.Arg778His (NM_001354729.2); c.2105G>A, p.Arg702His (NM_001354730.2); short protein forms R782H, R702H, R778H, R591H, R784H.
Identifiers: ClinVar variation 899704 (VCV000899704.8), dbSNP rs753463306, ClinGen allele CA2267176.

ClinVar aggregate classification (germline): Uncertain significance. Review status: criteria provided, multiple submitters, no conflicts (2 of 4 stars). 3 submissions from 3 submitters: Uncertain significance (3). Last evaluated 2025-10-21.

Conditions:
Xeroderma pigmentosum, group C (XPC). Also called: Xeroderma pigmentosum, complementation group C; XERODERMA PIGMENTOSUM III; XP, GROUP C; XPC-Related Xeroderma Pigmentosum. Identifiers: Orphanet 910, MedGen C2752147, MONDO:0010211, OMIM 278720.
Inborn genetic diseases. Identifiers: MedGen C0950123, MeSH D030342.

Allele frequency attached by ClinVar (database versions not stated): ExAC 0.00001; gnomAD 0.00001; gnomAD exomes 0.00001; TOPMed 0.00002.
gnomAD v4.1: 14 of 1,613,902 alleles (0.00087%); highest among the groups gnomAD compares: Non-Finnish European, 0.0011%; no homozygotes.

Submissions (3):

Ambry Genetics
Classification: Uncertain significance for Inborn genetic diseases. Last evaluated: 2025-10-21. Review status: criteria provided, single submitter. Criteria: Ambry Variant Classification Scheme 2023. Collection method: clinical testing. Allele origin: germline.

GeneDx
Classification: Uncertain significance. Last evaluated: 2023-04-03. Review status: criteria provided, single submitter. Criteria: GeneDx Variant Classification Process June 2021. Collection method: clinical testing. Allele origin: germline. Affected: yes.
Comment: In silico analysis supports that this missense variant has a deleterious effect on protein structure/function; Has not been previously published as pathogenic or benign to our knowledge

Illumina Laboratory Services, Illumina
Classification: Uncertain significance for Xeroderma pigmentosum, group C. Last evaluated: 2018-01-13. Review status: criteria provided, single submitter. Criteria: ICSL Variant Classification Criteria 13 December 2019. Collection method: clinical testing. Allele origin: germline.